The following is an entry in ClinVar:

NM_005267.5(GJA8):c.332C>T (p.Ala111Val)

Gene: GJA8 (gap junction protein alpha 8; plus strand). Cytogenetic location: 1q21.2.
Variant type: single nucleotide variant.
Coding change: c.332C>T on transcript NM_005267.5 (MANE Select); coding-DNA position 332, C replaced by T.
Protein change: p.Ala111Val; replaces alanine 111 with valine.
Molecular consequence: missense variant.
Genome position (GRCh38, 1-based): chr1:147,908,287, C>T. VCF-style: chr1-147908287-C-T. GRCh37 (hg19) VCF-style: chr1-147380414-C-T.
Other names: short protein forms A111V.
Identifiers: ClinVar variation 3055458 (VCV003055458.2), dbSNP rs1651893648, ClinGen allele CA342224031.

ClinVar aggregate classification (germline): Uncertain significance (0 of 4 stars; one submission).

Conditions:
GJA8-related disorder. Also called: GJA8-related condition.

Allele frequency attached by ClinVar (database versions not stated): TOPMed below 0.00001.

Submission:

PreventionGenetics, part of Exact Sciences
Classification: Uncertain significance for GJA8-related condition. Last evaluated: 2023-12-13. Review status: no assertion criteria provided. Collection method: clinical testing. Allele origin: germline.
Comment: The GJA8 c.332C>T variant is predicted to result in the amino acid substitution p.Ala111Val. To our knowledge, this variant has not been reported in the literature or in a large population database, indicating this variant is rare. At this time, the clinical significance of this variant is uncertain due to the absence of conclusive functional and genetic evidence.